The following is an entry in ClinVar:

NM_001367823.1(ARHGEF18):c.3837del (p.Asp1280fs)

Gene: ARHGEF18 (Rho/Rac guanine nucleotide exchange factor 18; plus strand). Cytogenetic location: 19p13.2.
Variant type: Deletion.
Coding change: c.3837del on transcript NM_001367823.1 (MANE Select); coding-DNA position 3837, one base deleted (A; older notation c.3837delA).
Protein change: p.Asp1280fs; shifts the reading frame from aspartic acid 1280.
Molecular consequence: frameshift variant.
Genome position (GRCh38, 1-based): chr19:7,469,953, A deleted; the last of 3 consecutive A bases (chr19:7,469,951-7,469,953); deleting any one gives the same sequence. VCF-style (leftmost placement, unchanged base first): chr19-7469950-GA-G. GRCh37 (hg19) VCF-style: chr19-7534836-GA-G.
Other names: c.3111del, p.Asp1038fs (NM_001130955.2); c.2799del, p.Asp934fs (NM_001367824.1, NM_015318.4); short protein forms D1280fs, D1038fs, D934fs.
Identifiers: ClinVar variation 2023005 (VCV002023005.4), dbSNP rs2512358919, ClinGen allele CA2580097143.
Genomic context (GRCh38, chr19:7,469,950, plus strand): 5'-CTTCTCTCTTCCAGCGTCCTTCGACCTGAAGCAGCAGCTGCTGCTCAACAAGCTCATGGG[GA>G]AAGATGAGAGCACCTCACGGAACCGCCGCTCGCTGAGCCCTATCCTGCCCGGCAGACACA-3'

ClinVar aggregate classification (germline): Pathogenic (1 of 4 stars; one submission).

Submission:

Labcorp Genetics (formerly Invitae), Labcorp
Classification: Pathogenic. Last evaluated: 2022-08-09. Review status: criteria provided, single submitter. Criteria: Invitae Variant Classification Sherloc (09022015). Collection method: clinical testing. Allele origin: germline.
Comment: For these reasons, this variant has been classified as Pathogenic. This variant is not present in population databases (gnomAD no frequency). This sequence change creates a premature translational stop signal (p.Asp1092Metfs*11) in the ARHGEF18 gene. It is expected to result in an absent or disrupted protein product. Loss-of-function variants in ARHGEF18 are known to be pathogenic (PMID: 28132693). This variant has not been reported in the literature in individuals affected with ARHGEF18-related conditions.

Literature cited by the submitters: PubMed 28132693.